The following is an entry in ClinVar:

ClinVar aggregate classification (germline): Uncertain significance (1 of 4 stars; one submission).

Conditions:
Exostoses, multiple, type 2 (EXT2). Also called: EXOSTOSES, MULTIPLE, TYPE II; Hereditary Multiple Osteochondromatosis, Type II. Identifiers: Orphanet 321, MedGen C1851413, MONDO:0007586, OMIM 133701.

gnomAD v4.1: 1 of 1,614,096 alleles (0.000062%); highest among the groups gnomAD compares: African/African-American, 0.0013%; no homozygotes.

Submission:

Labcorp Genetics (formerly Invitae), Labcorp
Classification: Uncertain significance for Exostoses, multiple, type 2. Last evaluated: 2024-03-19. Review status: criteria provided, single submitter. Criteria: Invitae Variant Classification Sherloc (09022015). Collection method: clinical testing. Allele origin: germline.
Comment: This sequence change replaces proline, which is neutral and non-polar, with leucine, which is neutral and non-polar, at codon 235 of the EXT2 protein (p.Pro235Leu). This variant is not present in population databases (gnomAD no frequency). This variant has not been reported in the literature in individuals affected with EXT2-related conditions. Advanced modeling of protein sequence and biophysical properties (such as structural, functional, and spatial information, amino acid conservation, physicochemical variation, residue mobility, and thermodynamic stability) performed at Invitae indicates that this missense variant is not expected to disrupt EXT2 protein function with a negative predictive value of 80%. In summary, the available evidence is currently insufficient to determine the role of this variant in disease. Therefore, it has been classified as a Variant of Uncertain Significance.

NM_207122.2(EXT2):c.704C>T (p.Pro235Leu)

Gene: EXT2 (exostosin glycosyltransferase 2; plus strand). Cytogenetic location: 11p11.2.
Variant type: single nucleotide variant.
Coding change: c.704C>T on transcript NM_207122.2 (MANE Select); coding-DNA position 704, C replaced by T.
Protein change: p.Pro235Leu; replaces proline 235 with leucine.
Molecular consequence: missense variant.
Genome position (GRCh38, 1-based): chr11:44,114,262, C>T. VCF-style: chr11-44114262-C-T. GRCh37 (hg19) VCF-style: chr11-44135812-C-T.
Other names: c.803C>T, p.Pro268Leu (NM_000401.3); c.704C>T, p.Pro235Leu (NM_001178083.3, NM_001389628.1, NM_001389630.1); short protein forms P235L, P268L.
Identifiers: ClinVar variation 3677519 (VCV003677519.2).